The following is an entry in ClinVar:

NM_005918.4(MDH2):c.324G>A (p.Met108Ile)

Gene: MDH2 (malate dehydrogenase 2; plus strand). Cytogenetic location: 7q11.23.
Variant type: single nucleotide variant.
Coding change: c.324G>A on transcript NM_005918.4 (MANE Select); coding-DNA position 324, G replaced by A.
Protein change: p.Met108Ile; replaces methionine 108 with isoleucine.
Molecular consequence: missense variant. On other transcripts: initiator codon variant (1).
Genome position (GRCh38, 1-based): chr7:76,057,973, G>A. VCF-style: chr7-76057973-G-A. GRCh37 (hg19) VCF-style: chr7-75687291-G-A.
Other names: c.324G>A, p.Met108Ile (NM_001282403.2); c.3G>A, p.Met1Ile (NM_001282404.2); short protein forms M108I, M1I.
Identifiers: ClinVar variation 1729399 (VCV001729399.3), dbSNP rs893800497, ClinGen allele CA160909068.

ClinVar aggregate classification (germline): Uncertain significance (1 of 4 stars; one submission).

Conditions:
Inborn genetic diseases. Identifiers: MedGen C0950123, MeSH D030342.

Submission:

Ambry Genetics
Classification: Uncertain significance for Inborn genetic diseases. Last evaluated: 2022-01-05. Review status: criteria provided, single submitter. Criteria: Ambry Variant Classification Scheme 2023. Collection method: clinical testing. Allele origin: germline.
Comment: The p.M108I variant (also known as c.324G>A), located in coding exon 4 of the MDH2 gene, results from a G to A substitution at nucleotide position 324. The methionine at codon 108 is replaced by isoleucine, an amino acid with highly similar properties. This amino acid position is conserved. In addition, this alteration is predicted to be deleterious by in silico analysis. Since supporting evidence is limited at this time, the clinical significance of this alteration remains unclear.